The following is an entry in ClinVar:

ClinVar aggregate classification (germline): Pathogenic. Review status: reviewed by expert panel (3 of 4 stars). 2 submissions from 2 submitters: Pathogenic (1). 1 of the submissions does not count toward it. Last evaluated 2016-10-18.

Conditions:
Breast-ovarian cancer, familial, susceptibility to, 1 (BROVCA1). Also called: BRCA1 Hereditary Breast and Ovarian Cancer; OVARIAN CANCER, SUSCEPTIBILITY TO. Identifiers: Orphanet 145, MedGen C2676676, MONDO:0011450, OMIM 604370. Disease mechanism: loss of function.

Submissions (2):

Evidence-based Network for the Interpretation of Germline Mutant Alleles (ENIGMA)
Classification: Pathogenic for Breast-ovarian cancer, familial, susceptibility to, 1. Last evaluated: 2016-10-18. Review status: reviewed by expert panel. Criteria: ENIGMA BRCA1/2 Classification Criteria (2015). Collection method: curation. Allele origin: germline.
Comment: Variant allele predicted to encode a truncated non-functional protein.

Consortium of Investigators of Modifiers of BRCA1/2 (CIMBA), c/o University of Cambridge
Classification: Pathogenic for Breast-ovarian cancer, familial, susceptibility to, 1. Last evaluated: 2015-10-02. Review status: criteria provided, single submitter. Criteria: CIMBA Mutation Classification guidelines May 2016. Collection method: clinical testing. Allele origin: germline. Not counted in ClinVar's aggregate classification.

NM_007294.4(BRCA1):c.807_817dup (p.Pro273fs)

Gene: BRCA1 (BRCA1 DNA repair associated; minus strand). Cytogenetic location: 17q21.31.
Variant type: Duplication.
Coding change: c.807_817dup on transcript NM_007294.4 (MANE Select); coding-DNA positions 807 to 817, 11 bases duplicated (GCATGTGGAGC).
Protein change: p.Pro273fs; shifts the reading frame from proline 273.
Molecular consequence: frameshift variant. On other transcripts: 5 prime UTR variant (2), intron variant (137).
Genome position (GRCh38, 1-based): chr17:43,094,714-43,094,724, GCTCCACATGC duplicated on the plus strand (GCATGTGGAGC on the coding strand, the reverse complement: BRCA1 is on the minus strand). VCF-style (leftmost placement, unchanged base first): chr17-43094713-G-GGCTCCACATGC. GRCh37 (hg19) VCF-style: chr17-41246730-G-GGCTCCACATGC.
Other names: 926ins11; c.594_604dup, p.Pro202fs (NM_001407571.1, NM_001407853.1, NM_001407894.1 and 9 more transcripts); c.807_817dup, p.Pro273fs (NM_001407581.1, NM_001407582.1, NM_001407583.1 and 30 more transcripts); c.804_814dup, p.Pro272fs (NM_001407587.1, NM_001407590.1, NM_001407591.1 and 22 more transcripts); c.798_808dup, p.Pro270fs (NM_001407646.1, NM_001407647.1); c.684_694dup, p.Pro232fs (NM_001407648.1, NM_001407664.1, NM_001407665.1 and 19 more transcripts); c.681_691dup, p.Pro231fs (NM_001407649.1, NM_001407670.1, NM_001407671.1 and 11 more transcripts); c.729_739dup, p.Pro247fs (NM_001407653.1, NM_001407654.1, NM_001407655.1 and 4 more transcripts); and 41 more; short protein forms P226fs, P273fs, P205fs, P231fs, P145fs, P225fs, P161fs, P162fs.
Identifiers: ClinVar variation 266580 (VCV000266580.6), dbSNP rs886040320, ClinGen allele CA10589990.